The following is an entry in ClinVar:

ClinVar aggregate classification (germline): Benign/Likely benign. Review status: criteria provided, multiple submitters, no conflicts (2 of 4 stars). 4 submissions from 4 submitters: Benign (3); Likely benign (1). Last evaluated 2024-01-01.

Allele frequency attached by ClinVar (database versions not stated): TOPMed 0.00404; 1000 Genomes Project 30x 0.00437; 1000 Genomes Project 0.00459; ESP Exome Variant Server 0.00591; gnomAD 0.00652 and 0.00653.
gnomAD v4.1: 11,231 of 1,612,418 alleles (0.7%); highest among the groups gnomAD compares: Non-Finnish European, 0.71%; 77 homozygotes.

Submissions (4):

CeGaT Center for Human Genetics Tuebingen
Classification: Likely benign. Last evaluated: 2024-01-01. Review status: criteria provided, single submitter. Criteria: CeGaT Center For Human Genetics Tuebingen Variant Classification Criteria Version 2. Collection method: clinical testing. Allele origin: germline. Affected: yes. Observed: 6 variant alleles.
Comment: ARHGEF28: BS2

Labcorp Genetics (formerly Invitae), Labcorp
Classification: Benign. Last evaluated: 2019-12-31. Review status: criteria provided, single submitter. Criteria: Invitae Variant Classification Sherloc (09022015). Collection method: clinical testing. Allele origin: germline.

Breakthrough Genomics
Classification: Benign. Review status: criteria provided, single submitter. Criteria: ACMG Guidelines, 2015. Collection method: not provided. Allele origin: germline. Inheritance: Unknown mechanism. Affected: yes.

PreventionGenetics, part of Exact Sciences
Classification: Benign. Review status: criteria provided, single submitter. Criteria: ACMG Guidelines, 2015. Collection method: clinical testing. Allele origin: germline.

NM_001177693.2(ARHGEF28):c.1862G>A (p.Arg621Gln)

Gene: ARHGEF28 (Rho guanine nucleotide exchange factor 28; plus strand). Cytogenetic location: 5q13.2.
Variant type: single nucleotide variant.
Coding change: c.1862G>A on transcript NM_001177693.2 (MANE Select); coding-DNA position 1862, G replaced by A.
Protein change: p.Arg621Gln; replaces arginine 621 with glutamine.
Molecular consequence: missense variant.
Genome position (GRCh38, 1-based): chr5:73,857,727, G>A. VCF-style: chr5-73857727-G-A. GRCh37 (hg19) VCF-style: chr5-73153552-G-A.
Other names: c.1862G>A, p.Arg621Gln (NM_001080479.3, NM_001388078.1); c.923G>A, p.Arg308Gln (NM_001244364.2); c.1568G>A, p.Arg523Gln (NM_001388076.1); short protein forms R621Q, R308Q, R523Q.
Identifiers: ClinVar variation 257361 (VCV000257361.31), dbSNP rs115243197, ClinGen allele CA3304664.